The following is an entry in ClinVar:

NM_139057.4(ADAMTS17):c.*2605G>C

Gene: ADAMTS17 (ADAM metallopeptidase with thrombospondin type 1 motif 17; minus strand). Cytogenetic location: 15q26.3.
Variant type: single nucleotide variant.
Coding change: c.*2605G>C on transcript NM_139057.4 (MANE Select); 2605 bases downstream of the stop codon, G replaced by C.
Molecular consequence: 3 prime UTR variant.
Genome position (GRCh38, 1-based): chr15:99,971,797, C>G on the plus strand (G>C on the coding strand, the complement: ADAMTS17 is on the minus strand). VCF-style: chr15-99971797-C-G. GRCh37 (hg19) VCF-style: chr15-100512002-C-G.
Identifiers: ClinVar variation 315133 (VCV000315133.5), dbSNP rs191759654, ClinGen allele CA10642818.
Genomic context (GRCh38, chr15:99,971,797, plus strand): 5'-GCACCAATAAAAATAGCACCGTAGGGTCGTGAGACTCTGGTAACACGTGCGTTAGTGACA[C>G]GTGTGCAAGCACAAAGGTACAGTACTCGAGGGACAGTACAGGGTATTAACACAGAAACAT-3'

ClinVar aggregate classification (germline): Likely benign (1 of 4 stars; one submission).

Conditions:
Weill-Marchesani 4 syndrome, recessive. Also called: Weill-Marchesani syndrome 4. Identifiers: Orphanet 363992, MedGen C2750787, MONDO:0013176, OMIM 613195.

Allele frequency attached by ClinVar (database versions not stated): 1000 Genomes Project 0.00280; 1000 Genomes Project 30x 0.00281; TOPMed 0.00614.

Submission:

Illumina Laboratory Services, Illumina
Classification: Likely benign for Weill-Marchesani 4 syndrome, recessive. Last evaluated: 2018-01-13. Review status: criteria provided, single submitter. Criteria: ICSL Variant Classification Criteria 13 December 2019. Collection method: clinical testing. Allele origin: germline.
Comment: This variant was observed in the ICSL laboratory as part of a predisposition screen in an ostensibly healthy population. It had not been previously curated by ICSL or reported in the Human Gene Mutation Database (HGMD: prior to June 1st, 2018), and was therefore a candidate for classification through an automated scoring system. Utilizing variant allele frequency, disease prevalence and penetrance estimates, and inheritance mode, an automated score was calculated to assess if this variant is too frequent to cause the disease. Based on the score and internal cut-off values, a variant classified as likely benign is not then subjected to further curation. The score for this variant resulted in a classification of likely benign for this disease.